The following is an entry in ClinVar:

ClinVar aggregate classification (germline): Uncertain significance (1 of 4 stars; one submission).

Conditions:
Primary ciliary dyskinesia. Also called: Ciliary dyskinesia. Identifiers: Orphanet 244, MedGen C0008780, MONDO:0016575, HP:0012265.

gnomAD v4.1: 70 of 1,614,028 alleles (0.0043%); highest among the groups gnomAD compares: Non-Finnish European, 0.0058%; no homozygotes.

Submission:

Ambry Genetics
Classification: Uncertain significance for Primary ciliary dyskinesia. Last evaluated: 2026-07-13. Review status: criteria provided, single submitter. Criteria: Ambry Variant Classification Scheme 2023. Collection method: clinical testing. Allele origin: germline.
Comment: The p.Q373E variant (also known as c.1117C>G), located in coding exon 8 of the DNAAF1 gene, results from a C to G substitution at nucleotide position 1117. The glutamine at codon 373 is replaced by glutamic acid, an amino acid with highly similar properties. This amino acid position is conserved. In addition, this alteration is predicted to be tolerated by in silico analysis. Based on the available evidence, the clinical significance of this variant remains unclear.

NM_178452.6(DNAAF1):c.1117C>G (p.Gln373Glu)

Gene: DNAAF1 (dynein axonemal assembly factor 1; plus strand). Cytogenetic location: 16q24.1.
Variant type: single nucleotide variant.
Coding change: c.1117C>G on transcript NM_178452.6 (MANE Select); coding-DNA position 1117, C replaced by G.
Protein change: p.Gln373Glu; replaces glutamine 373 with glutamic acid.
Molecular consequence: missense variant.
Genome position (GRCh38, 1-based): chr16:84,169,945, C>G. VCF-style: chr16-84169945-C-G. GRCh37 (hg19) VCF-style: chr16-84203551-C-G.
Other names: c.409C>G, p.Gln137Glu (NM_001318756.1); short protein forms Q373E, Q137E.
Identifiers: ClinVar variation 5035420 (VCV005035420.1).